The following is an entry in ClinVar:

NM_199420.4(POLQ):c.5540A>T (p.Lys1847Ile)

Gene: POLQ (DNA polymerase theta; minus strand). Cytogenetic location: 3q13.33.
Variant type: single nucleotide variant.
Coding change: c.5540A>T on transcript NM_199420.4 (MANE Select); coding-DNA position 5540, A replaced by T.
Protein change: p.Lys1847Ile; replaces lysine 1847 with isoleucine.
Molecular consequence: missense variant.
Genome position (GRCh38, 1-based): chr3:121,487,391, T>A on the plus strand (A>T on the coding strand, the complement: POLQ is on the minus strand). VCF-style: chr3-121487391-T-A. GRCh37 (hg19) VCF-style: chr3-121206238-T-A.
Other names: short protein forms K1847I.
Identifiers: ClinVar variation 1748198 (VCV001748198.2), dbSNP rs2546784616, ClinGen allele CA354089949.

ClinVar aggregate classification (germline): Uncertain significance (1 of 4 stars; one submission).

Submission:

Ambry Genetics
Classification: Uncertain significance. Last evaluated: 2022-02-28. Review status: criteria provided, single submitter. Criteria: Ambry Variant Classification Scheme 2023. Collection method: clinical testing. Allele origin: germline.
Comment: The p.K1847I variant (also known as c.5540A>T), located in coding exon 16 of the POLQ gene, results from an A to T substitution at nucleotide position 5540. The lysine at codon 1847 is replaced by isoleucine, an amino acid with dissimilar properties. This amino acid position is conserved. In addition, this alteration is predicted to be tolerated by in silico analysis. Since supporting evidence is limited at this time, the clinical significance of this alteration remains unclear.